The following is an entry in ClinVar:

NM_152222.2(RELT):c.1100T>A (p.Val367Glu)

Gene: RELT (RELT TNF receptor; plus strand). Cytogenetic location: 11q13.4.
Variant type: single nucleotide variant.
Coding change: c.1100T>A on transcript NM_152222.2 (MANE Select); coding-DNA position 1100, T replaced by A.
Protein change: p.Val367Glu; replaces valine 367 with glutamic acid.
Molecular consequence: missense variant.
Genome position (GRCh38, 1-based): chr11:73,395,140, T>A. VCF-style: chr11-73395140-T-A. GRCh37 (hg19) VCF-style: chr11-73106185-T-A.
Other names: c.1124T>A, p.Val375Glu (NM_001425248.1); c.1097T>A, p.Val366Glu (NM_001425249.1); c.1100T>A, p.Val367Glu (NM_001425250.1, NM_032871.4); c.1052T>A, p.Val351Glu (NM_001425251.1); c.842T>A, p.Val281Glu (NM_001425252.1, NM_001425253.1); short protein forms V281E, V351E, V366E, V367E, V375E.
Identifiers: ClinVar variation 3044723 (VCV003044723.2), dbSNP rs141011672, ClinGen allele CA6178882.
Genomic context (GRCh38, chr11:73,395,140, plus strand): 5'-CTCACAGGTTCCGCGTGGCTCGAATTCCTGAGCAGCGGACAAGTTCAATGGTGTCTGAGG[T>A]GAAGACCATCACGGAGGCTGGGCCCTCGTGGGGTGATCTCCCTGACTCCCCACAGCCTGG-3'
Protein context (NP_689408.1, residues 357-377): EQRTSSMVSE[Val367Glu]KTITEAGPSW

ClinVar aggregate classification (germline): Benign (0 of 4 stars; one submission).

Conditions:
RELT-related disorder. Also called: RELT-related condition.

Allele frequency attached by ClinVar (database versions not stated): gnomAD exomes 0.00094; ExAC 0.00281; gnomAD 0.00896; 1000 Genomes Project 30x 0.01015; TOPMed 0.01062; ESP Exome Variant Server 0.00916; 1000 Genomes Project 0.00919.
gnomAD v4.1: 2,821 of 1,613,566 alleles (0.17%); highest among the groups gnomAD compares: African/African-American, 3.2%; 36 homozygotes.

Submission:

PreventionGenetics, part of Exact Sciences
Classification: Benign for RELT-related condition. Last evaluated: 2019-12-03. Review status: no assertion criteria provided. Collection method: clinical testing. Allele origin: germline.
Comment: This variant is classified as benign based on ACMG/AMP sequence variant interpretation guidelines (Richards et al. 2015 PMID: 25741868, with internal and published modifications).